The following is an entry in ClinVar:

NM_005188.4(CBL):c.2227T>C (p.Ser743Pro)

Gene: CBL (Cbl proto-oncogene; plus strand). Cytogenetic location: 11q23.3.
Variant type: single nucleotide variant.
Coding change: c.2227T>C on transcript NM_005188.4 (MANE Select); coding-DNA position 2227, T replaced by C.
Protein change: p.Ser743Pro; replaces serine 743 with proline.
Molecular consequence: missense variant.
Genome position (GRCh38, 1-based): chr11:119,297,457, T>C. VCF-style: chr11-119297457-T-C. GRCh37 (hg19) VCF-style: chr11-119168167-T-C.
Other names: c.2227T>C (NM_005188.2); short protein forms S743P.
Identifiers: ClinVar variation 1513724 (VCV001513724.8), dbSNP rs759665371, ClinGen allele CA6318715.

ClinVar aggregate classification (germline): Uncertain significance. Review status: criteria provided, multiple submitters, no conflicts (2 of 4 stars). 3 submissions from 3 submitters: Uncertain significance (3). Last evaluated 2026-08-06.

Conditions:
Monogenic short statue.
RASopathy. Also called: rasopathies; Noonan spectrum disorder. Identifiers: Orphanet 536391, MedGen C5555857, MONDO:0021060.
Cardiovascular phenotype. Identifiers: MedGen CN230736.

Allele frequency attached by ClinVar (database versions not stated): gnomAD 0.00001; gnomAD exomes 0.00001 and 0.00002; TOPMed 0.00001; ExAC 0.00002.
gnomAD v4.1: 19 of 1,612,838 alleles (0.0012%); highest among the groups gnomAD compares: Non-Finnish European, 0.0014%; no homozygotes.

Submissions (3):

NHS Central & South Genomic Laboratory Hub
Classification: Uncertain significance for Monogenic short statue. Last evaluated: 2026-08-06. Review status: criteria provided, single submitter. Criteria: ACMG Guidelines, 2015. Collection method: clinical testing. Allele origin: germline. Affected: yes.

Labcorp Genetics (formerly Invitae), Labcorp
Classification: Uncertain significance for RASopathy. Last evaluated: 2025-05-15. Review status: criteria provided, single submitter. Criteria: Invitae Variant Classification Sherloc (09022015). Collection method: clinical testing. Allele origin: germline.
Comment: This sequence change replaces serine, which is neutral and polar, with proline, which is neutral and non-polar, at codon 743 of the CBL protein (p.Ser743Pro). This variant is present in population databases (rs759665371, gnomAD 0.003%). This variant has not been reported in the literature in individuals affected with CBL-related conditions. ClinVar contains an entry for this variant (Variation ID: 1513724). Invitae Evidence Modeling of protein sequence and biophysical properties (such as structural, functional, and spatial information, amino acid conservation, physicochemical variation, residue mobility, and thermodynamic stability) indicates that this missense variant is not expected to disrupt CBL protein function with a negative predictive value of 95%. In summary, the available evidence is currently insufficient to determine the role of this variant in disease. Therefore, it has been classified as a Variant of Uncertain Significance.

Ambry Genetics
Classification: Uncertain significance for Cardiovascular phenotype. Last evaluated: 2024-11-25. Review status: criteria provided, single submitter. Criteria: Ambry Variant Classification Scheme 2023. Collection method: clinical testing. Allele origin: germline.
Comment: The p.S743P variant (also known as c.2227T>C), located in coding exon 14 of the CBL gene, results from a T to C substitution at nucleotide position 2227. The serine at codon 743 is replaced by proline, an amino acid with similar properties. This amino acid position is conserved. In addition, this alteration is predicted to be tolerated by in silico analysis. Based on the available evidence, the clinical significance of this variant remains unclear.